The following is an entry in ClinVar:

ClinVar aggregate classification (germline): Pathogenic. Review status: criteria provided, multiple submitters, no conflicts (2 of 4 stars). 2 submissions from 2 submitters: Pathogenic (2). Last evaluated 2024-01-31.

Conditions:
Hereditary cancer-predisposing syndrome. Also called: Hereditary Cancer Syndrome; Hereditary neoplastic syndrome; Neoplastic Syndromes, Hereditary; Tumor predisposition. Identifiers: Orphanet 140162, MedGen C0027672, MeSH D009386, MONDO:0015356.
Cardiovascular phenotype. Identifiers: MedGen CN230736.

Allele frequency attached by ClinVar (database versions not stated): gnomAD exomes below 0.00001.
gnomAD v4.1: 6 of 1,613,610 alleles (0.00037%); highest among the groups gnomAD compares: South Asian, 0.0044%; no homozygotes.

Submissions (2):

Labcorp Genetics (formerly Invitae), Labcorp
Classification: Pathogenic. Last evaluated: 2024-01-31. Review status: criteria provided, single submitter. Criteria: Invitae Variant Classification Sherloc (09022015). Collection method: clinical testing. Allele origin: germline.
Comment: This sequence change creates a premature translational stop signal (p.Gln376*) in the LZTR1 gene. It is expected to result in an absent or disrupted protein product. Loss-of-function variants in LZTR1 are known to be pathogenic (PMID: 24362817, 25335493, 25480913, 25795793, 29469822, 30368668, 30442762, 30442766, 30481304, 30859559). This variant is present in population databases (no rsID available, gnomAD 0.003%). This premature translational stop signal has been observed in individual(s) with schwannomatosis (PMID: 31128261). This variant is also known as p.Gln367Ter. ClinVar contains an entry for this variant (Variation ID: 1451197). For these reasons, this variant has been classified as Pathogenic.

Ambry Genetics
Classification: Pathogenic for Cardiovascular phenotype; Hereditary cancer-predisposing syndrome. Last evaluated: 2023-05-08. Review status: criteria provided, single submitter. Criteria: Ambry Variant Classification Scheme 2023. Collection method: clinical testing. Allele origin: germline.
Comment: The p.Q376* variant (also known as c.1126C>T), located in coding exon 10 of the LZTR1 gene, results from a C to T substitution at nucleotide position 1126. This changes the amino acid from a glutamine to a stop codon within coding exon 10. This variant has been reported in patients with schwannomatosis (Louvrier C et al. Neuro Oncol, 2018 Jun;20:917-929; Deiller C et al. Eur J Med Genet, 2019 Aug;62:103680). Loss-of-function variants in LZTR1 are related to an increased risk for schwannomas and autosomal recessive Noonan syndrome; however, such associations with autosomal dominant Noonan syndrome have not been observed (Piotrowski A et al. Nat Genet. 2014 Feb;46:182-7; Yamamoto GL et al. J Med Genet. 2015 Jun;52:413-21; Johnston JJ et al. Genet Med. 2018 10;20:1175-1185). This alteration is expected to result in loss of function by premature protein truncation or nonsense-mediated mRNA decay. Based on the supporting evidence, this variant is pathogenic for an increased risk of LZTR1-related schwannomatosis (SWN) and would be expected to cause autosomal recessive Noonan syndrome when present along with a second pathogenic or likely pathogenic variant on the other allele; however, the association of this alteration with autosomal dominant Noonan syndrome is unlikely.

Literature cited by the submitters: PubMed 24362817 (cited by Labcorp Genetics (formerly Invitae), Labcorp); PubMed 25335493 (cited by Labcorp Genetics (formerly Invitae), Labcorp); PubMed 25480913 (cited by Labcorp Genetics (formerly Invitae), Labcorp); PubMed 25795793 (cited by Labcorp Genetics (formerly Invitae), Labcorp); PubMed 29469822 (cited by Labcorp Genetics (formerly Invitae), Labcorp); PubMed 30368668 (cited by Labcorp Genetics (formerly Invitae), Labcorp); PubMed 30442762 (cited by Labcorp Genetics (formerly Invitae), Labcorp); PubMed 30442766 (cited by Labcorp Genetics (formerly Invitae), Labcorp); PubMed 30481304 (cited by Labcorp Genetics (formerly Invitae), Labcorp); PubMed 30859559 (cited by Labcorp Genetics (formerly Invitae), Labcorp); PubMed 31128261 (cited by Labcorp Genetics (formerly Invitae), Labcorp).

NM_006767.4(LZTR1):c.1126C>T (p.Gln376Ter)

Gene: LZTR1 (leucine zipper like post translational regulator 1; plus strand). Cytogenetic location: 22q11.21.
Variant type: single nucleotide variant.
Coding change: c.1126C>T on transcript NM_006767.4 (MANE Select); coding-DNA position 1126, C replaced by T.
Protein change: p.Gln376Ter; replaces glutamine 376 with a stop codon.
Molecular consequence: nonsense.
Genome position (GRCh38, 1-based): chr22:20,992,346, C>T. VCF-style: chr22-20992346-C-T. GRCh37 (hg19) VCF-style: chr22-21346635-C-T.
Other names: c.1126C>T (NM_006767.3); short protein forms Q376*.
Identifiers: ClinVar variation 1451197 (VCV001451197.8), dbSNP rs772293748, ClinGen allele CA410782110.